The following is an entry in ClinVar:

NM_001371596.2(MFSD8):c.998+1G>C

Gene: MFSD8 (major facilitator superfamily domain containing 8; minus strand). Cytogenetic location: 4q28.2.
Variant type: single nucleotide variant.
Coding change: c.998+1G>C on transcript NM_001371596.2 (MANE Select); the canonical splice donor site of the intron after coding-DNA position 998, G replaced by C.
Molecular consequence: splice donor variant.
Genome position (GRCh38, 1-based): chr4:127,930,682, C>G on the plus strand (G>C on the coding strand, the complement: MFSD8 is on the minus strand). VCF-style: chr4-127930682-C-G. GRCh37 (hg19) VCF-style: chr4-128851837-C-G.
Other names: c.683+1G>C (NM_001363521.3); c.998+1G>C (NM_152778.4, NM_001371591.2); c.884+1G>C (NM_001410766.1, NM_001371593.2); c.797+1G>C (NM_001363520.3); c.851+1G>C (NM_001371594.2); c.1004+1G>C (NM_001371592.2); c.716+1G>C (NM_001371595.1); c.548+1G>C (NM_001410765.1); and 1 more.
Identifiers: ClinVar variation 2714261 (VCV002714261.3), dbSNP rs1553946656, ClinGen allele CA358173441.

ClinVar aggregate classification (germline): Likely pathogenic (1 of 4 stars; one submission).

Conditions:
Neuronal ceroid lipofuscinosis 7 (CLN7). Also called: MFSD8-Related Neuronal Ceroid-Lipofuscinosis. Identifiers: Orphanet 168491, Orphanet 228366, MedGen C1838571, MONDO:0012588, OMIM 610951.

Submission:

Labcorp Genetics (formerly Invitae), Labcorp
Classification: Likely pathogenic for Neuronal ceroid lipofuscinosis 7. Last evaluated: 2024-01-30. Review status: criteria provided, single submitter. Criteria: Invitae Variant Classification Sherloc (09022015). Collection method: clinical testing. Allele origin: germline.
Comment: This sequence change affects a donor splice site in intron 10 of the MFSD8 gene. It is expected to disrupt RNA splicing. Variants that disrupt the donor or acceptor splice site typically lead to a loss of protein function (PMID: 16199547), and loss-of-function variants in MFSD8 are known to be pathogenic (PMID: 19177532, 25227500, 28586915). This variant is not present in population databases (gnomAD no frequency). This variant has not been reported in the literature in individuals affected with MFSD8-related conditions. Algorithms developed to predict the effect of sequence changes on RNA splicing suggest that this variant may disrupt the consensus splice site. In summary, the currently available evidence indicates that the variant is pathogenic, but additional data are needed to prove that conclusively. Therefore, this variant has been classified as Likely Pathogenic.

Literature cited by the submitters: PubMed 16199547; PubMed 19177532; PubMed 25227500; PubMed 28586915.